The following is an entry in ClinVar:

ClinVar aggregate classification (germline): Likely benign. Review status: criteria provided, single submitter (1 of 4 stars). 2 submissions from 2 submitters: Likely benign (1). 1 of the submissions does not count toward it. Last evaluated 2026-01-14.

Conditions:
CSF1R-related disorder. Also called: CSF1R-related condition. Identifiers: MedGen CN379780, MONDO:0100632.

Allele frequency attached by ClinVar (database versions not stated): gnomAD exomes 0.00003 and 0.00006; ExAC 0.00010; gnomAD 0.00034 and 0.00039; TOPMed 0.00036; ESP Exome Variant Server 0.00085.
gnomAD v4.1: 89 of 1,614,080 alleles (0.0055%); highest among the groups gnomAD compares: African/African-American, 0.11%; no homozygotes.

Submissions (2):

Labcorp Genetics (formerly Invitae), Labcorp
Classification: Likely benign. Last evaluated: 2026-01-14. Review status: criteria provided, single submitter. Criteria: Invitae Variant Classification Sherloc (09022015). Collection method: clinical testing. Allele origin: germline.

PreventionGenetics, part of Exact Sciences
Classification: Likely benign for CSF1R-related condition. Last evaluated: 2019-04-12. Review status: no assertion criteria provided. Collection method: clinical testing. Allele origin: germline. Not counted in ClinVar's aggregate classification.
Comment: This variant is classified as likely benign based on ACMG/AMP sequence variant interpretation guidelines (Richards et al. 2015 PMID: 25741868, with internal and published modifications).

NM_001288705.3(CSF1R):c.2082G>A (p.Glu694=)

Gene: CSF1R (colony stimulating factor 1 receptor; minus strand). Cytogenetic location: 5q32.
Variant type: single nucleotide variant.
Coding change: c.2082G>A on transcript NM_001288705.3 (MANE Select); coding-DNA position 2082, G replaced by A.
Protein change: p.Glu694=; no amino-acid change (glutamic acid 694 retained).
Molecular consequence: synonymous variant.
Genome position (GRCh38, 1-based): chr5:150,059,750, C>T on the plus strand (G>A on the coding strand, the complement: CSF1R is on the minus strand). VCF-style: chr5-150059750-C-T. GRCh37 (hg19) VCF-style: chr5-149439313-C-T.
Other names: c.2082G>A, p.Glu694= (NM_001349736.2, NM_001375320.1, NM_005211.4); c.1638G>A, p.Glu546= (NM_001375321.1).
Identifiers: ClinVar variation 735513 (VCV000735513.10), dbSNP rs56316417, ClinGen allele CA3506585.